The following is an entry in ClinVar:

NM_001031709.3(RNLS):c.805C>T (p.Gln269Ter)

Gene: RNLS (renalase, FAD dependent amine oxidase; minus strand). Cytogenetic location: 10q23.31.
Variant type: single nucleotide variant.
Coding change: c.805C>T on transcript NM_001031709.3 (MANE Select); coding-DNA position 805, C replaced by T.
Protein change: p.Gln269Ter; replaces glutamine 269 with a stop codon.
Molecular consequence: nonsense.
Genome position (GRCh38, 1-based): chr10:88,314,537, G>A on the plus strand (C>T on the coding strand, the complement: RNLS is on the minus strand). VCF-style: chr10-88314537-G-A. GRCh37 (hg19) VCF-style: chr10-90074294-G-A.
Other names: c.805C>T, p.Gln269Ter (NM_018363.4); short protein forms Q269*.
Identifiers: ClinVar variation 2065564 (VCV002065564.28), dbSNP rs531117505, ClinGen allele CA5590361.
Genomic context (GRCh38, chr10:88,314,537, plus strand): 5'-TCCATTTTTGGCATTTGGTAGCAATTGGCTGAGGCAAACCCGGCAAAATGTTTTCCAGCT[G>A]CTGGAAGACTAACTCTTGCACATCCTCAATGCTGTGTTCCAAGTATGTAACTCCAAATGG-3'

ClinVar aggregate classification (germline): Likely benign. Review status: criteria provided, multiple submitters, no conflicts (2 of 4 stars). 2 submissions from 2 submitters: Likely benign (2). Last evaluated 2024-01-31.

Allele frequency attached by ClinVar (database versions not stated): gnomAD exomes 0.00015; 1000 Genomes Project 30x 0.00031; ExAC 0.00037; 1000 Genomes Project 0.00040.
gnomAD v4.1: 230 of 1,614,012 alleles (0.014%); highest among the groups gnomAD compares: South Asian, 0.18%; 3 homozygotes.

Submissions (2):

Labcorp Genetics (formerly Invitae), Labcorp
Classification: Likely benign. Last evaluated: 2024-01-31. Review status: criteria provided, single submitter. Criteria: Invitae Variant Classification Sherloc (09022015). Collection method: clinical testing. Allele origin: germline.

CeGaT Center for Human Genetics Tuebingen
Classification: Likely benign. Last evaluated: 2023-08-01. Review status: criteria provided, single submitter. Criteria: CeGaT Center For Human Genetics Tuebingen Variant Classification Criteria Version 2. Collection method: clinical testing. Allele origin: germline. Affected: yes. Observed: 1 variant allele.
Comment: RNLS: BS2